The following is an entry in ClinVar:

NM_001378778.1(MPDZ):c.1968+5C>A

Gene: MPDZ (multiple PDZ domain crumbs cell polarity complex component; minus strand). Cytogenetic location: 9p23.
Variant type: single nucleotide variant.
Coding change: c.1968+5C>A on transcript NM_001378778.1 (MANE Select); 5 bases into the intron after coding-DNA position 1968, C replaced by A.
Molecular consequence: intron variant.
Genome position (GRCh38, 1-based): chr9:13,192,126, G>T on the plus strand (C>A on the coding strand, the complement: MPDZ is on the minus strand). VCF-style: chr9-13192126-G-T. GRCh37 (hg19) VCF-style: chr9-13192125-G-T.
Other names: c.1968+5C>A (NM_001375425.1, NM_001375420.1, NM_001375419.1 and 14 more transcripts).
Identifiers: ClinVar variation 1996960 (VCV001996960.4), dbSNP rs1248776050, ClinGen allele CA586221854.

ClinVar aggregate classification (germline): Uncertain significance (1 of 4 stars; one submission).

gnomAD v4.1: 2 of 1,587,252 alleles (0.00013%); highest among the groups gnomAD compares: Non-Finnish European, 0.00017%; no homozygotes.

Submission:

Labcorp Genetics (formerly Invitae), Labcorp
Classification: Uncertain significance. Last evaluated: 2022-10-24. Review status: criteria provided, single submitter. Criteria: Invitae Variant Classification Sherloc (09022015). Collection method: clinical testing. Allele origin: germline.
Comment: This variant has not been reported in the literature in individuals affected with MPDZ-related conditions. This sequence change falls in intron 15 of the MPDZ gene. It does not directly change the encoded amino acid sequence of the MPDZ protein. It affects a nucleotide within the consensus splice site. The frequency data for this variant in the population databases is considered unreliable, as metrics indicate poor data quality at this position in the gnomAD database. Variants that disrupt the consensus splice site are a relatively common cause of aberrant splicing (PMID: 17576681, 9536098). Algorithms developed to predict the effect of sequence changes on RNA splicing suggest that this variant is not likely to affect RNA splicing. In summary, the available evidence is currently insufficient to determine the role of this variant in disease. Therefore, it has been classified as a Variant of Uncertain Significance.

Literature cited by the submitters: PubMed 17576681; PubMed 9536098.